The following is an entry in ClinVar:

NM_153834.4(ADGRG4):c.6926T>C (p.Ile2309Thr)

Gene: ADGRG4 (adhesion G protein-coupled receptor G4; plus strand). Cytogenetic location: Xq26.3.
Variant type: single nucleotide variant.
Coding change: c.6926T>C on transcript NM_153834.4 (MANE Select); coding-DNA position 6926, T replaced by C.
Protein change: p.Ile2309Thr; replaces isoleucine 2309 with threonine.
Molecular consequence: missense variant.
Genome position (GRCh38, 1-based): chrX:136,356,164, T>C. VCF-style: chrX-136356164-T-C. GRCh37 (hg19) VCF-style: chrX-135438323-T-C.
Other names: short protein forms I2309T.
Identifiers: ClinVar variation 3030102 (VCV003030102.2), dbSNP rs2075092357, ClinGen allele CA414652667.

ClinVar aggregate classification (germline): Uncertain significance (0 of 4 stars; one submission).

Conditions:
ADGRG4-related disorder. Also called: ADGRG4-related condition.

Allele frequency attached by ClinVar (database versions not stated): gnomAD exomes below 0.00001.
gnomAD v4.1: 3 of 1,167,960 alleles (0.00026%); highest among the groups gnomAD compares: Non-Finnish European, 0.00035%; no homozygotes.

Submission:

PreventionGenetics, part of Exact Sciences
Classification: Uncertain significance for ADGRG4-related condition. Last evaluated: 2024-01-24. Review status: no assertion criteria provided. Collection method: clinical testing. Allele origin: germline.
Comment: The ADGRG4 c.6926T>C variant is predicted to result in the amino acid substitution p.Ile2309Thr. To our knowledge, this variant has not been reported in the literature or in a large population database, indicating this variant is rare. At this time, the clinical significance of this variant is uncertain due to the absence of conclusive functional and genetic evidence.